The following is an entry in ClinVar:

NM_000100.4(CSTB):c.246_247del (p.Leu82fs)

Gene: CSTB (cystatin B; minus strand). Cytogenetic location: 21q22.3.
Variant type: Deletion.
Coding change: c.246_247del on transcript NM_000100.4 (MANE Select); coding-DNA positions 246 to 247, 2 bases deleted (AT; older notation c.246_247delAT).
Protein change: p.Leu82fs; shifts the reading frame from leucine 82.
Molecular consequence: frameshift variant.
Genome position (GRCh38, 1-based): chr21:43,774,252-43,774,253, AT deleted on the plus strand (AT on the coding strand, the reverse complement: CSTB is on the minus strand); deleting any 2 consecutive bases within chr21:43,774,252-43,774,254 gives the same sequence; the c. name uses the placement nearest the transcript's 3' end. VCF-style (leftmost placement, unchanged base first): chr21-43774251-GAT-G. GRCh37 (hg19) VCF-style: chr21-45194132-GAT-G.
Other names: short protein forms L82fs.
Identifiers: ClinVar variation 1791620 (VCV001791620.3), dbSNP rs763450239, ClinGen allele CA10048863.

ClinVar aggregate classification (germline): Likely pathogenic (1 of 4 stars; one submission).

Conditions:
Inborn genetic diseases. Identifiers: MedGen C0950123, MeSH D030342.

Submission:

Ambry Genetics
Classification: Likely pathogenic for Inborn genetic diseases. Last evaluated: 2024-10-02. Review status: criteria provided, single submitter. Criteria: Ambry Variant Classification Scheme 2023. Collection method: clinical testing. Allele origin: germline.
Comment: The c.246_247delAT variant, located in coding exon 3 of the CSTB gene, results from a deletion of two nucleotides at nucleotide positions 246 to 247, causing a translational frameshift with a predicted alternate stop codon (p.L82Ffs*2). This alteration occurs at the 3' terminus of the CSTB gene, is not expected to trigger nonsense-mediated mRNA decay, and only impacts the last 17 amino acids of the protein. However, premature stop codons are typically deleterious in nature and the impacted region is critical for protein function (Ambry internal data). This protein truncation is indicated to be structurally destabilizing and to disrupt binding of target proteins (Ambry internal data; Stubbs MT et al. EMBO J., 1990 Jun;9:1939-47; Jenko Kokalj S et al. J. Mol. Biol., 2007 Mar;366:1569-79). Based on the majority of available evidence to date, this variant is likely to be pathogenic.

Literature cited by the submitters: PubMed 17217964; PubMed 2347312.